The following is an entry in ClinVar:

NM_000110.4(DPYD):c.967G>A (p.Ala323Thr)

Gene: DPYD (dihydropyrimidine dehydrogenase; minus strand). Cytogenetic location: 1p21.3.
Variant type: single nucleotide variant.
Coding change: c.967G>A on transcript NM_000110.4 (MANE Select); coding-DNA position 967, G replaced by A.
Protein change: p.Ala323Thr; replaces alanine 323 with threonine.
Molecular consequence: missense variant.
Genome position (GRCh38, 1-based): chr1:97,593,379, C>T on the plus strand (G>A on the coding strand, the complement: DPYD is on the minus strand). VCF-style: chr1-97593379-C-T. GRCh37 (hg19) VCF-style: chr1-98058935-C-T.
Other names: short protein forms A323T.
Identifiers: ClinVar variation 2573364 (VCV002573364.1), dbSNP rs201018345, ClinGen allele CA963476.

ClinVar aggregate classification (germline): Uncertain significance (1 of 4 stars; one submission).

Allele frequency attached by ClinVar (database versions not stated): ExAC 0.00004; TOPMed 0.00005; gnomAD 0.00009; 1000 Genomes Project 30x 0.00016; 1000 Genomes Project 0.00020.
gnomAD v4.1: 54 of 1,614,036 alleles (0.0033%); highest among the groups gnomAD compares: South Asian, 0.019%; no homozygotes.

Submission:

Women's Health and Genetics/Laboratory Corporation of America, LabCorp
Classification: Uncertain significance. Last evaluated: 2023-06-06. Review status: criteria provided, single submitter. Criteria: LabCorp Variant Classification Summary - May 2015. Collection method: clinical testing. Allele origin: germline.
Comment: Variant summary: DPYD c.967G>A (p.Ala323Thr) results in a non-conservative amino acid change in the encoded protein sequence. Three of five in-silico tools predict a benign effect of the variant on protein function. The variant allele was found at a frequency of 4.8e-05 in 251356 control chromosomes. This frequency is not significantly higher than estimated for a pathogenic variant in DPYD causing Dihydropyrimidine Dehydrogenase Deficiency (4.8e-05 vs 0.0025), allowing no conclusion about variant significance. c.967G>A has been reported in the literature in a study of patients suspected with Dihydropyrimidine Dehydrogenase Deficiency (Garcia-Gonzalez_2020). This report does not provide unequivocal conclusions about association of the variant with Dihydropyrimidine Dehydrogenase Deficiency. At least one publication reports experimental evidence evaluating an impact on protein function (Offer_2014) showing enzyme activity comparable to Wildtype. The following publications have been ascertained in the context of this evaluation (PMID: 32529295, 26623034, 24648345). No clinical diagnostic laboratories have submitted clinical-significance assessments for this variant to ClinVar after 2014. Based on the evidence outlined above, the variant was classified as uncertain significance.

Literature cited by the submitters: PubMed 24648345; PubMed 32529295; PubMed 26623034.